The following is an entry in ClinVar:

NM_000051.4(ATM):c.1040A>T (p.Glu347Val)

Gene: ATM (ATM serine/threonine kinase; plus strand). Cytogenetic location: 11q22.3.
Variant type: single nucleotide variant.
Coding change: c.1040A>T on transcript NM_000051.4 (MANE Select); coding-DNA position 1040, A replaced by T.
Protein change: p.Glu347Val; replaces glutamic acid 347 with valine.
Molecular consequence: missense variant.
Genome position (GRCh38, 1-based): chr11:108,247,102, A>T. VCF-style: chr11-108247102-A-T. GRCh37 (hg19) VCF-style: chr11-108117829-A-T.
Other names: c.1040A>T, p.Glu347Val (NM_001351834.2); short protein forms E347V.
Identifiers: ClinVar variation 3232000 (VCV003232000.3), dbSNP rs550825251, ClinGen allele CA6264725.

ClinVar aggregate classification (germline): Uncertain significance. Review status: criteria provided, multiple submitters, no conflicts (2 of 4 stars). 3 submissions from 3 submitters: Uncertain significance (3). Last evaluated 2025-01-20.

Conditions:
Hereditary cancer-predisposing syndrome. Also called: Neoplastic Syndromes, Hereditary; Tumor predisposition; Hereditary neoplastic syndrome; Hereditary Cancer Syndrome. Identifiers: Orphanet 140162, MedGen C0027672, MeSH D009386, MONDO:0015356.

Allele frequency attached by ClinVar (database versions not stated): TOPMed below 0.00001; ExAC 0.00001; gnomAD 0.00002; 1000 Genomes Project 0.00040; 1000 Genomes Project 30x 0.00062.
gnomAD v4.1: 3 of 1,613,870 alleles (0.00019%); highest among the groups gnomAD compares: Admixed American, 0.005%; no homozygotes.

Submissions (3):

Institute for Biomarker Research, Medical Diagnostic Laboratories, L.L.C.
Classification: Uncertain significance for Hereditary cancer-predisposing syndrome. Last evaluated: 2025-01-20. Review status: criteria provided, single submitter. Criteria: ACMG Guidelines, 2015. Collection method: clinical testing. Allele origin: germline.
Comment: The missense variant NM_000051.4(ATM):c.1040A>T (p.Glu347Val) has not been reported previously as a pathogenic variant nor as a benign variant, to our knowledge. The variant is observed in one or more well-documented healthy adults. There is a moderate physicochemical difference between glutamic acid and valine. The gene ATM has a low rate of benign missense variation as indicated by a high missense variants Z-Score of 2.52. The gene ATM contains 171 pathogenic missense variants, indicating that missense variants are a common mechanism of disease in this gene. The p.Glu347Val missense variant is predicted to be damaging by both SIFT and PolyPhen2. The nucleotide c.1040 in ATM is predicted conserved by GERP++ and PhyloP across 100 vertebrates. For these reasons, this variant has been classified as Uncertain Significance.

Quest Diagnostics Nichols Institute San Juan Capistrano
Classification: Uncertain significance. Last evaluated: 2025-01-17. Review status: criteria provided, single submitter. Criteria: Quest Diagnostics criteria. Collection method: clinical testing. Allele origin: unknown.

Ambry Genetics
Classification: Uncertain significance for Hereditary cancer-predisposing syndrome. Last evaluated: 2023-12-04. Review status: criteria provided, single submitter. Criteria: Ambry Variant Classification Scheme 2023. Collection method: clinical testing. Allele origin: germline.
Comment: The p.E347V variant (also known as c.1040A>T), located in coding exon 7 of the ATM gene, results from an A to T substitution at nucleotide position 1040. The glutamic acid at codon 347 is replaced by valine, an amino acid with dissimilar properties. This amino acid position is conserved. In addition, the in silico prediction for this alteration is inconclusive. Since supporting evidence is limited at this time, the clinical significance of this alteration remains unclear.